The following is an entry in ClinVar:

NM_001939.3(DRP2):c.595C>T (p.Arg199Cys)

Gene: DRP2 (dystrophin related protein 2; plus strand). Cytogenetic location: Xq22.1.
Variant type: single nucleotide variant.
Coding change: c.595C>T on transcript NM_001939.3 (MANE Select); coding-DNA position 595, C replaced by T.
Protein change: p.Arg199Cys; replaces arginine 199 with cysteine.
Molecular consequence: missense variant.
Genome position (GRCh38, 1-based): chrX:101,241,703, C>T. VCF-style: chrX-101241703-C-T. GRCh37 (hg19) VCF-style: chrX-100496692-C-T.
Other names: c.361C>T, p.Arg121Cys (NM_001171184.2); short protein forms R121C, R199C.
Identifiers: ClinVar variation 1356509 (VCV001356509.8), dbSNP rs766584694, ClinGen allele CA10472110.

ClinVar aggregate classification (germline): Uncertain significance (1 of 4 stars; one submission).

Allele frequency attached by ClinVar (database versions not stated): gnomAD exomes 0.00001 and 0.00002; ExAC 0.00002; gnomAD 0.00002.
gnomAD v4.1: 23 of 1,209,887 alleles (0.0019%); highest among the groups gnomAD compares: Middle Eastern, 0.023%; no homozygotes.

Submission:

Labcorp Genetics (formerly Invitae), Labcorp
Classification: Uncertain significance. Last evaluated: 2023-10-05. Review status: criteria provided, single submitter. Criteria: Invitae Variant Classification Sherloc (09022015). Collection method: clinical testing. Allele origin: germline.
Comment: This sequence change replaces arginine, which is basic and polar, with cysteine, which is neutral and slightly polar, at codon 199 of the DRP2 protein (p.Arg199Cys). This variant is present in population databases (rs766584694, gnomAD 0.01%). This variant has not been reported in the literature in individuals affected with DRP2-related conditions. ClinVar contains an entry for this variant (Variation ID: 1356509). Advanced modeling of protein sequence and biophysical properties (such as structural, functional, and spatial information, amino acid conservation, physicochemical variation, residue mobility, and thermodynamic stability) performed at Invitae indicates that this missense variant is not expected to disrupt DRP2 protein function. In summary, the available evidence is currently insufficient to determine the role of this variant in disease. Therefore, it has been classified as a Variant of Uncertain Significance.